The following is an entry in ClinVar:

ClinVar aggregate classification (germline): Uncertain significance (1 of 4 stars; one submission).

Conditions:
Hereditary breast ovarian cancer syndrome. Also called: Hereditary breast and ovarian cancer syndrome; Hereditary breast and/or ovarian cancer syndrome; BRCA1- and BRCA2-Associated Hereditary Breast and Ovarian Cancer; Hereditary breast and ovarian cancer; Breast and ovarian cancer; Hereditary breast and ovarian cancer syndrome (HBOC). Identifiers: Orphanet 145, MedGen C0677776, MeSH D061325, MONDO:0003582. Disease mechanism: loss of function.

Submission:

Labcorp Genetics (formerly Invitae), Labcorp
Classification: Uncertain significance for Hereditary breast ovarian cancer syndrome. Last evaluated: 2023-10-04. Review status: criteria provided, single submitter. Criteria: Invitae Variant Classification Sherloc (09022015). Collection method: clinical testing. Allele origin: germline.
Comment: This sequence change replaces serine, which is neutral and polar, with asparagine, which is neutral and polar, at codon 1050 of the BRCA1 protein (p.Ser1050Asn). This variant is not present in population databases (gnomAD no frequency). This variant has not been reported in the literature in individuals affected with BRCA1-related conditions. Advanced modeling of protein sequence and biophysical properties (such as structural, functional, and spatial information, amino acid conservation, physicochemical variation, residue mobility, and thermodynamic stability) performed at Invitae indicates that this missense variant is not expected to disrupt BRCA1 protein function. In summary, the available evidence is currently insufficient to determine the role of this variant in disease. Therefore, it has been classified as a Variant of Uncertain Significance.

NM_007294.4(BRCA1):c.3149G>A (p.Ser1050Asn)

Gene: BRCA1 (BRCA1 DNA repair associated; minus strand). Cytogenetic location: 17q21.31.
Variant type: single nucleotide variant.
Coding change: c.3149G>A on transcript NM_007294.4 (MANE Select); coding-DNA position 3149, G replaced by A.
Protein change: p.Ser1050Asn; replaces serine 1050 with asparagine.
Molecular consequence: missense variant. On other transcripts: intron variant (137).
Genome position (GRCh38, 1-based): chr17:43,092,382, C>T on the plus strand (G>A on the coding strand, the complement: BRCA1 is on the minus strand). VCF-style: chr17-43092382-C-T. GRCh37 (hg19) VCF-style: chr17-41244399-C-T.
Other names: c.3005G>A, p.Ser1002Asn (NM_001407838.1, NM_001407839.1, NM_001407841.1 and 20 more transcripts); c.2936G>A, p.Ser979Asn (NM_001407571.1, NM_001407853.1, NM_001407894.1 and 9 more transcripts); c.3149G>A, p.Ser1050Asn (NM_001407581.1, NM_001407582.1, NM_001407583.1 and 30 more transcripts); c.3146G>A, p.Ser1049Asn (NM_001407587.1, NM_001407590.1, NM_001407591.1 and 22 more transcripts); c.3140G>A, p.Ser1047Asn (NM_001407646.1, NM_001407647.1); c.3026G>A, p.Ser1009Asn (NM_001407648.1, NM_001407664.1, NM_001407665.1 and 19 more transcripts); c.3023G>A, p.Ser1008Asn (NM_001407649.1, NM_001407670.1, NM_001407671.1 and 11 more transcripts); c.3071G>A, p.Ser1024Asn (NM_001407653.1, NM_001407654.1, NM_001407655.1 and 4 more transcripts); and 41 more; short protein forms S1024N, S1050N, S983N, S1003N, S1008N, S1023N, S1049N, S754N.
Identifiers: ClinVar variation 2762917 (VCV002762917.3), dbSNP rs1597865440, ClinGen allele CA10595685.